The following is an entry in ClinVar:

ClinVar aggregate classification (germline): Benign/Likely benign. Review status: criteria provided, multiple submitters, no conflicts (2 of 4 stars). 6 submissions from 6 submitters: Benign (4); Likely benign (2). Last evaluated 2026-02-02.

Conditions:
Pyridoxine-dependent epilepsy (EPEO4). Also called: PYRIDOXINE DEPENDENCY WITH SEIZURES; Pyridoxine-Dependent Epilepsy - ALDH7A1; EPILEPSY, EARLY-ONSET, 4, VITAMIN B6-DEPENDENT; Pyridoxine-Dependent Seizures. Identifiers: Orphanet 3006, MedGen C1849508, MONDO:0009945, OMIM 266100. Disease mechanism: loss of function.

Allele frequency attached by ClinVar (database versions not stated): ExAC 0.00150; gnomAD 0.00463 and 0.00500; 1000 Genomes Project 0.00479; 1000 Genomes Project 30x 0.00484; TOPMed 0.00529; ESP Exome Variant Server 0.00584.
gnomAD v4.1: 1,528 of 1,603,604 alleles (0.095%); highest among the groups gnomAD compares: African/African-American, 1.6%; 13 homozygotes.

Submissions (6):

Labcorp Genetics (formerly Invitae), Labcorp
Classification: Benign for Pyridoxine-dependent epilepsy. Last evaluated: 2026-02-02. Review status: criteria provided, single submitter. Criteria: Invitae Variant Classification Sherloc (09022015). Collection method: clinical testing. Allele origin: germline.

ARUP Laboratories, Molecular Genetics and Genomics, ARUP Laboratories
Classification: Benign for Pyridoxine-dependent epilepsy. Last evaluated: 2025-03-06. Review status: criteria provided, single submitter. Criteria: ARUP Molecular Germline Variant Investigation Process 2024. Collection method: clinical testing. Allele origin: germline.

Blueprint Genetics
Classification: Likely benign. Last evaluated: 2024-11-06. Review status: criteria provided, single submitter. Criteria: ACMG Guidelines, 2015. Collection method: clinical testing. Allele origin: germline.

Genome-Nilou Lab
Classification: Benign for Pyridoxine-dependent epilepsy. Last evaluated: 2023-04-11. Review status: criteria provided, single submitter. Criteria: ACMG Guidelines, 2015. Collection method: clinical testing. Allele origin: germline. Affected: no.

Illumina Laboratory Services, Illumina
Classification: Likely benign for Pyridoxine-dependent epilepsy. Last evaluated: 2018-01-13. Review status: criteria provided, single submitter. Criteria: ICSL Variant Classification Criteria 13 December 2019. Collection method: clinical testing. Allele origin: germline.
Comment: This variant was observed in the ICSL laboratory as part of a predisposition screen in an ostensibly healthy population. It had not been previously curated by ICSL or reported in the Human Gene Mutation Database (HGMD: prior to June 1st, 2018), and was therefore a candidate for classification through an automated scoring system. Utilizing variant allele frequency, disease prevalence and penetrance estimates, and inheritance mode, an automated score was calculated to assess if this variant is too frequent to cause the disease. Based on the score and internal cut-off values, a variant classified as likely benign is not then subjected to further curation. The score for this variant resulted in a classification of likely benign for this disease.

GeneDx
Classification: Benign. Last evaluated: 2012-05-14. Review status: criteria provided, single submitter. Criteria: GeneDx Variant Classification (06012015). Collection method: clinical testing. Allele origin: germline. Affected: yes.
Comment: This variant is considered likely benign or benign based on one or more of the following criteria: it is a conservative change, it occurs at a poorly conserved position in the protein, it is predicted to be benign by multiple in silico algorithms, and/or has population frequency not consistent with disease.

NM_001182.5(ALDH7A1):c.1009-6G>A

Gene: ALDH7A1 (aldehyde dehydrogenase 7 family member A1; minus strand). Cytogenetic location: 5q23.2.
Variant type: single nucleotide variant.
Coding change: c.1009-6G>A on transcript NM_001182.5 (MANE Select); 6 bases into the intron before coding-DNA position 1009, G replaced by A.
Molecular consequence: intron variant.
Genome position (GRCh38, 1-based): chr5:126,556,021, C>T on the plus strand (G>A on the coding strand, the complement: ALDH7A1 is on the minus strand). VCF-style: chr5-126556021-C-T. GRCh37 (hg19) VCF-style: chr5-125891713-C-T.
Other names: c.1008+3219G>A (NM_001202404.2); c.925-6G>A (NM_001201377.2).
Identifiers: ClinVar variation 136373 (VCV000136373.18), dbSNP rs138056453, ClinGen allele CA289411.